The following is an entry in ClinVar:

NM_015158.5(KANK1):c.3037T>A (p.Ser1013Thr)

Gene: KANK1 (KN motif and ankyrin repeat domains 1; plus strand). Cytogenetic location: 9p24.3.
Variant type: single nucleotide variant.
Coding change: c.3037T>A on transcript NM_015158.5 (MANE Select); coding-DNA position 3037, T replaced by A.
Protein change: p.Ser1013Thr; replaces serine 1013 with threonine.
Molecular consequence: missense variant. On other transcripts: intron variant (5).
Genome position (GRCh38, 1-based): chr9:732,409, T>A. VCF-style: chr9-732409-T-A. GRCh37 (hg19) VCF-style: chr9-732409-T-A.
Other names: c.3037T>A, p.Ser1013Thr (NM_001256876.3, NM_001256877.3, NM_001354334.2); c.2983T>A, p.Ser995Thr (NM_001354332.2); c.2563T>A, p.Ser855Thr (NM_001354333.2, NM_001354335.2, NM_001354337.2 and 2 more transcripts); c.2509T>A, p.Ser837Thr (NM_001354338.2, NM_001354340.2, NM_001354344.2); c.3005+1143T>A (NM_001354331.2); c.2477+1143T>A (NM_001354336.2); c.2531+1143T>A (NM_001354339.2, NM_001354343.2, NM_001354342.2); short protein forms S1013T, S837T, S995T, S855T.
Identifiers: ClinVar variation 1506395 (VCV001506395.8), dbSNP rs2131805890, ClinGen allele CA372757020.

ClinVar aggregate classification (germline): Uncertain significance (1 of 4 stars; one submission).

Submission:

Labcorp Genetics (formerly Invitae), Labcorp
Classification: Uncertain significance. Last evaluated: 2021-06-18. Review status: criteria provided, single submitter. Criteria: Invitae Variant Classification Sherloc (09022015). Collection method: clinical testing. Allele origin: germline.
Comment: In summary, the available evidence is currently insufficient to determine the role of this variant in disease. Therefore, it has been classified as a Variant of Uncertain Significance. Algorithms developed to predict the effect of missense changes on protein structure and function are either unavailable or do not agree on the potential impact of this missense change (SIFT: "Tolerated"; PolyPhen-2: "Probably Damaging"; Align-GVGD: "Class C0"). This variant has not been reported in the literature in individuals with KANK1-related conditions. This variant is not present in population databases (ExAC no frequency). This sequence change replaces serine with threonine at codon 1013 of the KANK1 protein (p.Ser1013Thr). The serine residue is highly conserved and there is a small physicochemical difference between serine and threonine.